The following is an entry in ClinVar:

ClinVar aggregate classification (germline): Pathogenic (1 of 4 stars; one submission).

Conditions:
CFTR-related disorder (CFTR-RD). Also called: CFTR-related disorders; CFTR-related condition. Identifiers: MedGen C5924204, MONDO:7770004.

Submission:

Natera, Inc.
Classification: Pathogenic for CFTR-related disorders. Last evaluated: 2025-12-30. Review status: criteria provided, single submitter. Criteria: Natera Variant Classification Schema (03/2026). Collection method: clinical testing. Allele origin: germline.
Comment: The c.248dupT variant in CFTR is a frameshift variant predicted to shift the reading frame beginning at codon 84 and leads to a stop codon 27 codons downstream. This variant is expected to result in nonsense mediated decay, truncation, or a dysfunctional protein product. This variant is rare in the general population with a frequency below the threshold expected for the associated phenotype(s). This variant has been observed in one or more individuals affected with the associated recessive disease, as either homozygous or compound heterozygous with a second variant (PMID: 15365999). Given the available evidence, this variant is classified as Pathogenic.

Literature cited by the submitters: PubMed 15365999.

NM_000492.4(CFTR):c.248dup (p.Tyr84fs)

Gene: CFTR (CF transmembrane conductance regulator; plus strand). Cytogenetic location: 7q31.2.
Variant type: Duplication.
Coding change: c.248dup on transcript NM_000492.4 (MANE Select); coding-DNA position 248, one base duplicated (T; older notation c.248dupT).
Protein change: p.Tyr84fs; shifts the reading frame from tyrosine 84.
Molecular consequence: frameshift variant.
Genome position (GRCh38, 1-based): chr7:117,509,117, T duplicated; the last of 2 consecutive T bases (chr7:117,509,116-117,509,117); duplicating either gives the same sequence. VCF-style (leftmost placement, unchanged base first): chr7-117509115-G-GT. GRCh37 (hg19) VCF-style: chr7-117149169-G-GT.
Other names: c.248dupT (NM_000492.3); short protein forms Y84fs.
Identifiers: ClinVar variation 4818503 (VCV004818503.1).